The following is an entry in ClinVar:

ClinVar aggregate classification (germline): Uncertain significance (1 of 4 stars; one submission).

Conditions:
Agammaglobulinemia 7, autosomal recessive (AGM7). Also called: AGAMMAGLOBULINEMIA, AUTOSOMAL RECESSIVE, DUE TO PIK3R1 DEFECT. Identifiers: MedGen C3554689, MONDO:0014083, OMIM 615214.
Immunodeficiency 36 with lymphoproliferation. Also called: Immunodeficiency 36; ACTIVATED PI3K-DELTA SYNDROME 2; Activated PI3K Delta Syndrome Type 2 (APDS2). Identifiers: Orphanet 397596, Orphanet 693681, MedGen C4014934, MONDO:0014453, OMIM 616005.
SHORT syndrome. Also called: SHORT STATURE, HYPEREXTENSIBILITY, HERNIA, OCULAR DEPRESSION, RIEGER ANOMALY, AND TEETHING DELAY; LIPODYSTROPHY, PARTIAL, WITH RIEGER ANOMALY AND SHORT STATURE; PIK3R1-Related SHORT Syndrome. Identifiers: Orphanet 3163, MedGen C0878684, MONDO:0010026, OMIM 269880.

Submission:

Labcorp Genetics (formerly Invitae), Labcorp
Classification: Uncertain significance for SHORT syndrome; Immunodeficiency 36 with lymphoproliferation; Agammaglobulinemia 7, autosomal recessive. Last evaluated: 2025-10-01. Review status: criteria provided, single submitter. Criteria: Invitae Variant Classification Sherloc (09022015). Collection method: clinical testing. Allele origin: germline.
Comment: This sequence change replaces leucine, which is neutral and non-polar, with isoleucine, which is neutral and non-polar, at codon 696 of the PIK3R1 protein (p.Leu696Ile). This variant is not present in population databases (gnomAD no frequency). This variant has not been reported in the literature in individuals affected with PIK3R1-related conditions. ClinVar contains an entry for this variant (Variation ID: 3756827). Invitae Evidence Modeling of protein sequence and biophysical properties (such as structural, functional, and spatial information, amino acid conservation, physicochemical variation, residue mobility, and thermodynamic stability) indicates that this missense variant is not expected to disrupt PIK3R1 protein function with a negative predictive value of 80%. In summary, the available evidence is currently insufficient to determine the role of this variant in disease. Therefore, it has been classified as a Variant of Uncertain Significance.

NM_181523.3(PIK3R1):c.2086C>A (p.Leu696Ile)

Gene: PIK3R1 (phosphoinositide-3-kinase regulatory subunit 1; plus strand). Cytogenetic location: 5q13.1.
Variant type: single nucleotide variant.
Coding change: c.2086C>A on transcript NM_181523.3 (MANE Select); coding-DNA position 2086, C replaced by A.
Protein change: p.Leu696Ile; replaces leucine 696 with isoleucine.
Molecular consequence: missense variant.
Genome position (GRCh38, 1-based): chr5:68,297,512, C>A. VCF-style: chr5-68297512-C-A. GRCh37 (hg19) VCF-style: chr5-67593340-C-A.
Other names: c.997C>A, p.Leu333Ile (NM_001242466.2); c.1276C>A, p.Leu426Ile (NM_181504.4); c.1186C>A, p.Leu396Ile (NM_181524.2); short protein forms L333I, L396I, L426I, L696I.
Identifiers: ClinVar variation 3756827 (VCV003756827.2).